The following is an entry in ClinVar:

NM_030922.7(NIPA2):c.1002_1004dup (p.Asn334_Glu335insAsp)

Gene: NIPA2 (NIPA magnesium transporter 2; plus strand). Cytogenetic location: 15q11.2.
Variant type: Duplication.
Coding change: c.1002_1004dup on transcript NM_030922.7 (MANE Select); coding-DNA positions 1002 to 1004, 3 bases duplicated (TGA; older notation c.1002_1004dupTGA).
Protein change: p.Asn334_Glu335insAsp.
Molecular consequence: inframe insertion.
Genome position (GRCh38, 1-based): chr15:22,866,766-22,866,768, TGA duplicated; duplicating any 3 consecutive bases within chr15:22,866,765-22,866,768 gives the same sequence; the c. name uses the placement nearest the transcript's 3' end. VCF-style (leftmost placement, unchanged base first): chr15-22866764-A-AATG. GRCh37 (hg19) VCF-style: chr15-23006299-T-TTCA.
Other names: c.1002_1004dupTGA (NM_001184889.1); c.1002_1004dup, p.Asn334_Glu335insAsp (NM_001008860.3, NM_001008892.3, NM_001184889.2); c.945_947dup, p.Asn315_Glu316insAsp (NM_001008894.3, NM_001184888.2).
Identifiers: ClinVar variation 2644950 (VCV002644950.25), dbSNP rs576755299, ClinGen allele CA7425669.
Genomic context (GRCh38, chr15:22,866,764, plus strand): 5'-CGAAAAGACGAGAAAGCAATGAATGGCAATCTCTCTAATATGTATGAAGTTCTTAATAAT[A>AATG]ATGAAGAAAGCTTAACCTGTGGAATCGAACAACACACTGGTGAAAATGTCTCCCGAAGAA-3'

ClinVar aggregate classification (germline): Benign. Review status: criteria provided, single submitter (1 of 4 stars). 2 submissions from 2 submitters: Benign (1). 1 of the submissions does not count toward it. Last evaluated 2026-07-01.

Conditions:
NIPA2-related disorder. Also called: NIPA2-related condition.

Submissions (2):

CeGaT Center for Human Genetics Tuebingen
Classification: Benign. Last evaluated: 2026-07-01. Review status: criteria provided, single submitter. Criteria: CeGaT Center For Human Genetics Tuebingen Variant Classification Criteria Version 2. Collection method: clinical testing. Allele origin: germline. Affected: yes. Observed: 4 variant alleles.
Comment: NIPA2: BS1, BS2

PreventionGenetics, part of Exact Sciences
Classification: Likely benign for NIPA2-related condition. Last evaluated: 2022-04-22. Review status: no assertion criteria provided. Collection method: clinical testing. Allele origin: germline. Not counted in ClinVar's aggregate classification.
Comment: This variant is classified as likely benign based on ACMG/AMP sequence variant interpretation guidelines (Richards et al. 2015 PMID: 25741868, with internal and published modifications).